The following is an entry in ClinVar:

ClinVar aggregate classification (germline): Likely benign (1 of 4 stars; one submission).

Allele frequency attached by ClinVar (database versions not stated): TOPMed below 0.00001.

Submission:

GeneDx
Classification: Likely benign. Last evaluated: 2012-11-13. Review status: criteria provided, single submitter. Criteria: GeneDx Variant Classification (06012015). Collection method: clinical testing. Allele origin: germline. Affected: yes.
Comment: This variant is considered likely benign or benign based on one or more of the following criteria: it is a conservative change, it occurs at a poorly conserved position in the protein, it is predicted to be benign by multiple in silico algorithms, and/or has population frequency not consistent with disease.

NM_001267550.2(TTN):c.62147A>T (p.Glu20716Val)

Genes: TTN (titin; minus strand), TTN-AS1 (TTN antisense RNA 1; plus strand). Cytogenetic location: 2q31.2.
Variant type: single nucleotide variant.
Coding change: c.62147A>T on transcript NM_001267550.2 (MANE Select); coding-DNA position 62147, A replaced by T.
Protein change: p.Glu20716Val; replaces glutamic acid 20716 with valine.
Molecular consequence: missense variant.
Genome position (GRCh38, 1-based): chr2:178,589,578, T>A on the plus strand (A>T on the coding strand, the complement: TTN is on the minus strand). VCF-style: chr2-178589578-T-A. GRCh37 (hg19) VCF-style: chr2-179454305-T-A.
Other names: p.E19075V:GAA>GTA; c.57224A>T, p.Glu19075Val (NM_001256850.1); c.34952A>T, p.Glu11651Val (NM_003319.4); c.54443A>T, p.Glu18148Val (NM_133378.4); c.35327A>T, p.Glu11776Val (NM_133432.3); c.35528A>T, p.Glu11843Val (NM_133437.4); short protein forms E19075V, E20716V, E11843V, E18148V, E11776V, E11651V.
Identifiers: ClinVar variation 202315 (VCV000202315.3), dbSNP rs794729243, ClinGen allele CA309061.
Genomic context (GRCh38, chr2:178,589,578, plus strand): 5'-TTTTCAACACATCTGTCAACCATGTAGTGAGTTTCTTTAATGCTTCCTTTATGCACTCTT[T>A]CCCAGTCATCGGAGCCCTTAAGCCTTCTCTCAACATGATATGACAGATTTGGACTGCCAC-3'
Protein context (NP_001254479.2, residues 20706-20726): ERRLKGSDDW[Glu20716Val]RVHKGSIKET